The following is an entry in ClinVar:

ClinVar aggregate classification (germline): Benign/Likely benign. Review status: criteria provided, multiple submitters, no conflicts (2 of 4 stars). 3 submissions from 3 submitters: Benign (1); Likely benign (2). Last evaluated 2026-01-05.

Conditions:
Idiopathic Pulmonary Fibrosis. Also called: Idiopathic fibrosing alveolitis, chronic form; idiopathic fibrosing alveolitis. Identifiers: Orphanet 2032, MedGen C1800706, MeSH D054990, MONDO:0800504.
Dyskeratosis congenita, autosomal dominant 2. Identifiers: MedGen C3151443, MONDO:0013521, OMIM 613989.
TERT-related disorder. Also called: TERT-related disorders; TERT-related condition.
Dyskeratosis congenita. Identifiers: Orphanet 1775, MedGen C0265965, MONDO:0015780.

Allele frequency attached by ClinVar (database versions not stated): gnomAD exomes 0.00001 and 0.00002; ExAC 0.00002; gnomAD 0.00015; TOPMed 0.00016; 1000 Genomes Project 0.00020; 1000 Genomes Project 30x 0.00047.
gnomAD v4.1: 35 of 1,589,834 alleles (0.0022%); highest among the groups gnomAD compares: African/African-American, 0.032%; no homozygotes.

Submissions (3):

Labcorp Genetics (formerly Invitae), Labcorp
Classification: Benign for Dyskeratosis congenita, autosomal dominant 2; Idiopathic Pulmonary Fibrosis. Last evaluated: 2026-01-05. Review status: criteria provided, single submitter. Criteria: Invitae Variant Classification Sherloc (09022015). Collection method: clinical testing. Allele origin: germline.

PreventionGenetics, part of Exact Sciences
Classification: Likely benign for TERT-related condition. Last evaluated: 2025-07-12. Review status: criteria provided, single submitter. Criteria: ACMG Guidelines, 2015. Collection method: clinical testing. Allele origin: germline.
Comment: This variant is classified as likely benign based on ACMG/AMP sequence variant interpretation guidelines (Richards et al. 2015 PMID: 25741868, with internal and published modifications).

Ambry Genetics
Classification: Likely benign for Dyskeratosis congenita. Last evaluated: 2022-02-16. Review status: criteria provided, single submitter. Criteria: Ambry Variant Classification Scheme 2023. Collection method: clinical testing. Allele origin: germline.

NM_198253.3(TERT):c.642G>A (p.Leu214=)

Gene: TERT (telomerase reverse transcriptase; minus strand). Cytogenetic location: 5p15.33.
Variant type: single nucleotide variant.
Coding change: c.642G>A on transcript NM_198253.3 (MANE Select); coding-DNA position 642, G replaced by A.
Protein change: p.Leu214=; no amino-acid change (leucine 214 retained).
Molecular consequence: synonymous variant. On other transcripts: non-coding transcript variant (2).
Genome position (GRCh38, 1-based): chr5:1,294,244, C>T on the plus strand (G>A on the coding strand, the complement: TERT is on the minus strand). VCF-style: chr5-1294244-C-T. GRCh37 (hg19) VCF-style: chr5-1294359-C-T.
Other names: c.642G>A, p.Leu214= (NM_001193376.3).
Identifiers: ClinVar variation 471899 (VCV000471899.12), dbSNP rs549656839, ClinGen allele CA3184939.